The following is an entry in ClinVar:

NM_001042750.2(STAG2):c.2569G>T (p.Ala857Ser)

Gene: STAG2 (STAG2 cohesin complex component; plus strand). Cytogenetic location: Xq25.
Variant type: single nucleotide variant.
Coding change: c.2569G>T on transcript NM_001042750.2 (MANE Select); coding-DNA position 2569, G replaced by T.
Protein change: p.Ala857Ser; replaces alanine 857 with serine.
Molecular consequence: missense variant.
Genome position (GRCh38, 1-based): chrX:124,076,367, G>T. VCF-style: chrX-124076367-G-T. GRCh37 (hg19) VCF-style: chrX-123210217-G-T.
Other names: c.2569G>T, p.Ala857Ser (NM_001042749.2, NM_001042751.2, NM_001282418.2 and 13 more transcripts); short protein forms A857S.
Identifiers: ClinVar variation 2737675 (VCV002737675.3), dbSNP rs2522159280, ClinGen allele CA414277928.

ClinVar aggregate classification (germline): Uncertain significance (1 of 4 stars; one submission).

Submission:

Labcorp Genetics (formerly Invitae), Labcorp
Classification: Uncertain significance. Last evaluated: 2024-09-05. Review status: criteria provided, single submitter. Criteria: Invitae Variant Classification Sherloc (09022015). Collection method: clinical testing. Allele origin: germline.
Comment: This sequence change replaces alanine, which is neutral and non-polar, with serine, which is neutral and polar, at codon 857 of the STAG2 protein (p.Ala857Ser). This variant is not present in population databases (gnomAD no frequency). This variant has not been reported in the literature in individuals affected with STAG2-related conditions. Invitae Evidence Modeling of protein sequence and biophysical properties (such as structural, functional, and spatial information, amino acid conservation, physicochemical variation, residue mobility, and thermodynamic stability) indicates that this missense variant is not expected to disrupt STAG2 protein function with a negative predictive value of 80%. In summary, the available evidence is currently insufficient to determine the role of this variant in disease. Therefore, it has been classified as a Variant of Uncertain Significance.